The following is an entry in ClinVar:

ClinVar aggregate classification (germline): Uncertain significance (1 of 4 stars; one submission).

Allele frequency attached by ClinVar (database versions not stated): gnomAD exomes below 0.00001; gnomAD 0.00001.
gnomAD v4.1: 4 of 1,613,810 alleles (0.00025%); highest among the groups gnomAD compares: Non-Finnish European, 0.00034%; no homozygotes.

Submission:

Ambry Genetics
Classification: Uncertain significance. Last evaluated: 2023-03-25. Review status: criteria provided, single submitter. Criteria: Ambry Variant Classification Scheme 2023. Collection method: clinical testing. Allele origin: germline.
Comment: The p.V756I variant (also known as c.2266G>A), located in coding exon 15 of the MYOM1 gene, results from a G to A substitution at nucleotide position 2266. The valine at codon 756 is replaced by isoleucine, an amino acid with highly similar properties. This amino acid position is conserved. In addition, this alteration is predicted to be tolerated by in silico analysis. Since supporting evidence is limited at this time, the clinical significance of this alteration remains unclear.

NM_003803.4(MYOM1):c.2266G>A (p.Val756Ile)

Gene: MYOM1 (myomesin 1; minus strand). Cytogenetic location: 18p11.31.
Variant type: single nucleotide variant.
Coding change: c.2266G>A on transcript NM_003803.4 (MANE Select); coding-DNA position 2266, G replaced by A.
Protein change: p.Val756Ile; replaces valine 756 with isoleucine.
Molecular consequence: missense variant.
Genome position (GRCh38, 1-based): chr18:3,134,768, C>T on the plus strand (G>A on the coding strand, the complement: MYOM1 is on the minus strand). VCF-style: chr18-3134768-C-T. GRCh37 (hg19) VCF-style: chr18-3134766-C-T.
Other names: c.2266G>A, p.Val756Ile (NM_019856.2); short protein forms V756I.
Identifiers: ClinVar variation 2562734 (VCV002562734.2), dbSNP rs2079932012, ClinGen allele CA401712734.